The following is an entry in ClinVar:

NM_000383.4(AIRE):c.1015A>G (p.Ser339Gly)

Gene: AIRE (autoimmune regulator; plus strand). Cytogenetic location: 21q22.3.
Variant type: single nucleotide variant.
Coding change: c.1015A>G on transcript NM_000383.4 (MANE Select); coding-DNA position 1015, A replaced by G.
Protein change: p.Ser339Gly; replaces serine 339 with glycine.
Molecular consequence: missense variant.
Genome position (GRCh38, 1-based): chr21:44,292,321, A>G. VCF-style: chr21-44292321-A-G. GRCh37 (hg19) VCF-style: chr21-45712204-A-G.
Other names: short protein forms S339G.
Identifiers: ClinVar variation 938512 (VCV000938512.9), dbSNP rs919219488, ClinGen allele CA321794605.

ClinVar aggregate classification (germline): Uncertain significance. Review status: criteria provided, multiple submitters, no conflicts (2 of 4 stars). 4 submissions from 4 submitters: Uncertain significance (3). 1 of the submissions does not count toward it. Last evaluated 2026-04-03.

Conditions:
AIRE-related disorder. Also called: AIRE-related condition.
Polyglandular autoimmune syndrome, type 1 (APS1). Also called: AUTOIMMUNE POLYENDOCRINE SYNDROME, TYPE I, WITH OR WITHOUT REVERSIBLE METAPHYSEAL DYSPLASIA; Whitaker syndrome; Autoimmune polyendocrinopathy syndrome, type I; APS I; PGA I; Autoimmune polyendocrine syndrome type 1. Identifiers: Orphanet 3453, MedGen C0085859, MONDO:0009411, OMIM 240300.

Allele frequency attached by ClinVar (database versions not stated): gnomAD 0.00001; TOPMed 0.00003.
gnomAD v4.1: 6 of 1,576,148 alleles (0.00038%); highest among the groups gnomAD compares: Admixed American, 0.0018%; no homozygotes.

Submissions (4):

PreventionGenetics, part of Exact Sciences
Classification: Uncertain significance for AIRE-related condition. Last evaluated: 2026-04-03. Review status: criteria provided, single submitter. Criteria: ACMG Guidelines, 2015. Collection method: clinical testing. Allele origin: germline.
Comment: The AIRE c.1015A>G variant is predicted to result in the amino acid substitution p.Ser339Gly. To our knowledge, this variant has not been reported in the literature or in a large population database (gnomAD), indicating this variant is rare. At this time, the clinical significance of this variant is uncertain due to the absence of conclusive functional and genetic evidence.

Labcorp Genetics (formerly Invitae), Labcorp
Classification: Uncertain significance for Polyglandular autoimmune syndrome, type 1. Last evaluated: 2022-06-04. Review status: criteria provided, single submitter. Criteria: Invitae Variant Classification Sherloc (09022015). Collection method: clinical testing. Allele origin: germline.
Comment: This sequence change replaces serine, which is neutral and polar, with glycine, which is neutral and non-polar, at codon 339 of the AIRE protein (p.Ser339Gly). This variant is not present in population databases (gnomAD no frequency). This variant has not been reported in the literature in individuals affected with AIRE-related conditions. ClinVar contains an entry for this variant (Variation ID: 938512). Advanced modeling of protein sequence and biophysical properties (such as structural, functional, and spatial information, amino acid conservation, physicochemical variation, residue mobility, and thermodynamic stability) performed at Invitae indicates that this missense variant is not expected to disrupt AIRE protein function. In summary, the available evidence is currently insufficient to determine the role of this variant in disease. Therefore, it has been classified as a Variant of Uncertain Significance.

Blueprint Genetics
Classification: Uncertain significance. Last evaluated: 2020-09-10. Review status: criteria provided, single submitter. Criteria: ACMG Guidelines, 2015. Collection method: clinical testing. Allele origin: germline.

Natera, Inc.
Classification: Uncertain significance for Polyglandular autoimmune syndrome type 1. Last evaluated: 2020-09-29. Review status: no assertion criteria provided. Collection method: clinical testing. Allele origin: germline. Not counted in ClinVar's aggregate classification.